The following is an entry in ClinVar:

NM_000069.3(CACNA1S):c.4775C>T (p.Ala1592Val)

Gene: CACNA1S (calcium voltage-gated channel subunit alpha1 S; minus strand). Cytogenetic location: 1q32.1.
Variant type: single nucleotide variant.
Coding change: c.4775C>T on transcript NM_000069.3 (MANE Select); coding-DNA position 4775, C replaced by T.
Protein change: p.Ala1592Val; replaces alanine 1592 with valine.
Molecular consequence: missense variant.
Genome position (GRCh38, 1-based): chr1:201,044,350, G>A on the plus strand (C>T on the coding strand, the complement: CACNA1S is on the minus strand). VCF-style: chr1-201044350-G-A. GRCh37 (hg19) VCF-style: chr1-201013478-G-A.
Other names: short protein forms A1592V.
Identifiers: ClinVar variation 1350183 (VCV001350183.8), dbSNP rs1037769687, ClinGen allele CA35993599.

ClinVar aggregate classification (germline): Uncertain significance. Review status: criteria provided, multiple submitters, no conflicts (2 of 4 stars). 2 submissions from 2 submitters: Uncertain significance (2). Last evaluated 2025-06-09.

Conditions:
Malignant hyperthermia, susceptibility to, 5 (MHS5). Also called: CACNA1S-Related Malignant Hyperthermia Susceptibility. Identifiers: Orphanet 423, MedGen C1866077, MONDO:0011163, OMIM 601887.
Hypokalemic periodic paralysis, type 1. Also called: HypoPP; Hypokalemic Periodic Paralysis Type 1 (AD). Identifiers: Orphanet 681, MedGen C3714580, MONDO:0042979, OMIM 170400.

Allele frequency attached by ClinVar (database versions not stated): gnomAD 0.00001; TOPMed 0.00002; gnomAD exomes below 0.00001.
gnomAD v4.1: 8 of 1,613,138 alleles (0.0005%); highest among the groups gnomAD compares: African/African-American, 0.0013%; no homozygotes.

Submissions (2):

Labcorp Genetics (formerly Invitae), Labcorp
Classification: Uncertain significance for Hypokalemic periodic paralysis, type 1; Malignant hyperthermia, susceptibility to, 5. Last evaluated: 2025-06-09. Review status: criteria provided, single submitter. Criteria: Invitae Variant Classification Sherloc (09022015). Collection method: clinical testing. Allele origin: germline.
Comment: This sequence change replaces alanine, which is neutral and non-polar, with valine, which is neutral and non-polar, at codon 1592 of the CACNA1S protein (p.Ala1592Val). This variant is present in population databases (no rsID available, gnomAD 0.0008%). This variant has not been reported in the literature in individuals affected with CACNA1S-related conditions. ClinVar contains an entry for this variant (Variation ID: 1350183). Invitae Evidence Modeling of protein sequence and biophysical properties (such as structural, functional, and spatial information, amino acid conservation, physicochemical variation, residue mobility, and thermodynamic stability) indicates that this missense variant is not expected to disrupt CACNA1S protein function with a negative predictive value of 95%. In summary, the available evidence is currently insufficient to determine the role of this variant in disease. Therefore, it has been classified as a Variant of Uncertain Significance.

All of Us Research Program, National Institutes of Health
Classification: Uncertain significance for Malignant hyperthermia, susceptibility to, 5. Last evaluated: 2023-12-01. Review status: criteria provided, single submitter. Criteria: ACMG Guidelines, 2015. Collection method: clinical testing. Allele origin: germline. Inheritance: Autosomal dominant inheritance. Observed: 1 variant allele, 1 heterozygote.
Comment: This study involves interpretation of variants in research participants for the purpose of population health screening. Participant phenotype was not available at the time of variant classification. Additional details can be found in publication PMID: 35346344, PMCID: PMC8962531